The following is an entry in ClinVar:

ClinVar aggregate classification (germline): Pathogenic (1 of 4 stars; one submission).

Submission:

Labcorp Genetics (formerly Invitae), Labcorp
Classification: Pathogenic. Last evaluated: 2024-09-18. Review status: criteria provided, single submitter. Criteria: Invitae Variant Classification Sherloc (09022015). Collection method: clinical testing. Allele origin: germline.
Comment: This sequence change creates a premature translational stop signal (p.Ser612Leufs*29) in the DIP2C gene. It is expected to result in an absent or disrupted protein product. Loss-of-function variants in DIP2C are known to be pathogenic (PMID: 38421105). This variant is not present in population databases (gnomAD no frequency). This variant has not been reported in the literature in individuals affected with DIP2C-related conditions. For these reasons, this variant has been classified as Pathogenic.

Literature cited by the submitters: PubMed 38421105.

NM_014974.3(DIP2C):c.1834_1835del (p.Ser612fs)

Gene: DIP2C (DIP2 acetate--CoA ligase C (putative); minus strand). Cytogenetic location: 10p15.3.
Variant type: Microsatellite.
Coding change: c.1834_1835del on transcript NM_014974.3 (MANE Select); coding-DNA positions 1834 to 1835, 2 bases deleted (TC; older notation c.1834_1835delTC).
Protein change: p.Ser612fs; shifts the reading frame from serine 612.
Molecular consequence: frameshift variant.
Genome position (GRCh38, 1-based): chr10:384,068-384,069, GA deleted on the plus strand (TC on the coding strand, the reverse complement: DIP2C is on the minus strand); deleting any 2 consecutive bases within chr10:384,068-384,072 gives the same sequence; the c. name uses the placement nearest the transcript's 3' end. VCF-style (leftmost placement, unchanged base first): chr10-384067-GGA-G. GRCh37 (hg19) VCF-style: chr10-430007-GGA-G.
Other names: short protein forms S612fs.
Identifiers: ClinVar variation 3677218 (VCV003677218.2).